The following is an entry in ClinVar:

NM_014712.3(SETD1A):c.4537G>A (p.Val1513Met)

Gene: SETD1A (SET domain containing 1A, histone lysine methyltransferase; plus strand). Cytogenetic location: 16p11.2.
Variant type: single nucleotide variant.
Coding change: c.4537G>A on transcript NM_014712.3 (MANE Select); coding-DNA position 4537, G replaced by A.
Protein change: p.Val1513Met; replaces valine 1513 with methionine.
Molecular consequence: missense variant.
Genome position (GRCh38, 1-based): chr16:30,980,613, G>A. VCF-style: chr16-30980613-G-A. GRCh37 (hg19) VCF-style: chr16-30991934-G-A.
Other names: short protein forms V1513M.
Identifiers: ClinVar variation 2646459 (VCV002646459.24), dbSNP rs775651422, ClinGen allele CA8017580.

ClinVar aggregate classification (germline): Likely benign (1 of 4 stars; one submission).

Allele frequency attached by ClinVar (database versions not stated): ExAC 0.00001; gnomAD exomes 0.00001; TOPMed 0.00001; gnomAD 0.00002.
gnomAD v4.1: 24 of 1,613,770 alleles (0.0015%); highest among the groups gnomAD compares: African/African-American, 0.004%; no homozygotes.

Submission:

CeGaT Center for Human Genetics Tuebingen
Classification: Likely benign. Last evaluated: 2025-03-01. Review status: criteria provided, single submitter. Criteria: CeGaT Center For Human Genetics Tuebingen Variant Classification Criteria Version 2. Collection method: clinical testing. Allele origin: germline. Affected: yes. Observed: 2 variant alleles.
Comment: SETD1A: BP5